The following is an entry in ClinVar:

NM_001377229.1(DISP1):c.480G>T (p.Gln160His)

Gene: DISP1 (dispatched RND transporter family member 1; plus strand). Cytogenetic location: 1q41.
Variant type: single nucleotide variant.
Coding change: c.480G>T on transcript NM_001377229.1 (MANE Select); coding-DNA position 480, G replaced by T.
Protein change: p.Gln160His; replaces glutamine 160 with histidine.
Molecular consequence: missense variant. On other transcripts: 5 prime UTR variant (1).
Genome position (GRCh38, 1-based): chr1:222,943,303, G>T. VCF-style: chr1-222943303-G-T. GRCh37 (hg19) VCF-style: chr1-223116645-G-T.
Other names: c.-408G>T (NM_001350630.2); c.480G>T, p.Gln160His (NM_001369594.1, NM_001377228.1, NM_032890.5); short protein forms Q160H.
Identifiers: ClinVar variation 3665290 (VCV003665290.2).

ClinVar aggregate classification (germline): Uncertain significance (1 of 4 stars; one submission).

gnomAD v4.1: 67 of 1,614,104 alleles (0.0042%); highest among the groups gnomAD compares: Admixed American, 0.11%; 1 homozygote.

Submission:

Labcorp Genetics (formerly Invitae), Labcorp
Classification: Uncertain significance. Last evaluated: 2024-11-30. Review status: criteria provided, single submitter. Criteria: Invitae Variant Classification Sherloc (09022015). Collection method: clinical testing. Allele origin: germline.
Comment: This sequence change replaces glutamine, which is neutral and polar, with histidine, which is basic and polar, at codon 160 of the DISP1 protein (p.Gln160His). This variant is present in population databases (rs778660148, gnomAD 0.1%), including at least one homozygous and/or hemizygous individual. This variant has not been reported in the literature in individuals affected with DISP1-related conditions. An algorithm developed to predict the effect of missense changes on protein structure and function (PolyPhen-2) suggests that this variant is likely to be disruptive. In summary, the available evidence is currently insufficient to determine the role of this variant in disease. Therefore, it has been classified as a Variant of Uncertain Significance.